The following is an entry in ClinVar:

ClinVar aggregate classification (germline): Uncertain significance (1 of 4 stars; one submission).

Conditions:
Polycystic kidney disease 4 (PKD4). Also called: PKD3; POLYCYSTIC KIDNEY DISEASE 4 WITH OR WITHOUT POLYCYSTIC LIVER DISEASE; Autosomal Recessive Polycystic Kidney Disease – PKHD1; POLYCYSTIC KIDNEY AND HEPATIC DISEASE 1; POLYCYSTIC KIDNEY DISEASE, INFANTILE, TYPE I. Identifiers: MedGen C4540575, MONDO:0033004, OMIM 263200.

Submission:

Center for Human Genetics and Genomic Medicine, Uniklinik Rwth Aachen
Classification: Uncertain significance for Polycystic kidney disease 4. Last evaluated: 2023-02-27. Review status: criteria provided, single submitter. Criteria: ACMG Guidelines, 2015. Collection method: clinical testing. Allele origin: unknown. Inheritance: Autosomal recessive inheritance. Observed: 1 heterozygote.
Comment: The detected change has not been reported in control collectives (gnomAD) or in ClinVar. Bioinformatically, the change is classified as "likely disease-causing" (PolyPhen2, Mutation Taster, SIFT, CADDphred 28.2). Based on the current state of knowledge, the variant can still be classified as a “variant of uncertain clinical significance” (ACMG criteria).

NM_138694.4(PKHD1):c.1628T>C (p.Leu543Pro)

Gene: PKHD1 (PKHD1 ciliary IPT domain containing fibrocystin/polyductin; minus strand). Cytogenetic location: 6p12.2.
Variant type: single nucleotide variant.
Coding change: c.1628T>C on transcript NM_138694.4 (MANE Select); coding-DNA position 1628, T replaced by C.
Protein change: p.Leu543Pro; replaces leucine 543 with proline.
Molecular consequence: missense variant.
Genome position (GRCh38, 1-based): chr6:52,056,763, A>G on the plus strand (T>C on the coding strand, the complement: PKHD1 is on the minus strand). VCF-style: chr6-52056763-A-G. GRCh37 (hg19) VCF-style: chr6-51921561-A-G.
Other names: c.1628T>C, p.Leu543Pro (NM_170724.3); short protein forms L543P.
Identifiers: ClinVar variation 2430375 (VCV002430375.1), dbSNP rs2533337217, ClinGen allele CA364424986.